The following is an entry in ClinVar:

ClinVar aggregate classification (germline): Uncertain significance (1 of 4 stars; one submission).

Conditions:
IFT81-related disorder. Also called: IFT81-related condition.

gnomAD v4.1: 11 of 1,581,376 alleles (0.0007%); highest among the groups gnomAD compares: African/African-American, 0.0014%; no homozygotes.

Submission:

PreventionGenetics, part of Exact Sciences
Classification: Uncertain significance for IFT81-related condition. Last evaluated: 2026-04-21. Review status: criteria provided, single submitter. Criteria: ACMG Guidelines, 2015. Collection method: clinical testing. Allele origin: germline.
Comment: The IFT81 c.490T>C variant is predicted to result in the amino acid substitution p.Ser164Pro. To our knowledge, this variant has not been reported in the literature. This variant is reported in 0.011% of alleles in individuals of African descent in gnomAD. At this time, the clinical significance of this variant is uncertain due to the absence of conclusive functional and genetic evidence.

NM_014055.4(IFT81):c.490T>C (p.Ser164Pro)

Gene: IFT81 (intraflagellar transport 81; plus strand). Cytogenetic location: 12q24.11.
Variant type: single nucleotide variant.
Coding change: c.490T>C on transcript NM_014055.4 (MANE Select); coding-DNA position 490, T replaced by C.
Protein change: p.Ser164Pro; replaces serine 164 with proline.
Molecular consequence: missense variant. On other transcripts: 5 prime UTR variant (2), non-coding transcript variant (3).
Genome position (GRCh38, 1-based): chr12:110,132,607, T>C. VCF-style: chr12-110132607-T-C. GRCh37 (hg19) VCF-style: chr12-110570412-T-C.
Other names: c.490T>C, p.Ser164Pro (NM_001143779.2, NM_001347946.2, NM_031473.4); c.-277T>C (NM_001347947.2, NM_001347948.2); short protein forms S164P.
Identifiers: ClinVar variation 4980090 (VCV004980090.1).